The following is an entry in ClinVar:

ClinVar aggregate classification (germline): Uncertain significance. Review status: criteria provided, multiple submitters, no conflicts (2 of 4 stars). 2 submissions from 2 submitters: Uncertain significance (2). Last evaluated 2025-07-23.

Conditions:
Arrhythmogenic right ventricular dysplasia 11. Also called: Arrhythmogenic right ventricular dysplasia 11 with mild palmoplantar keratoderma and woolly hair; Arrhythmogenic Right Ventricular Dysplasia/Cardiomyopathy11; ARRHYTHMOGENIC RIGHT VENTRICULAR DYSPLASIA, FAMILIAL, 11. Identifiers: MedGen C1864850, MONDO:0012506, OMIM 610476.

Allele frequency attached by ClinVar (database versions not stated): gnomAD 0.00001; TOPMed below 0.00001.
gnomAD v4.1: 1 of 1,613,838 alleles (0.000062%); highest among the groups gnomAD compares: Non-Finnish European, 0.000085%; no homozygotes.

Submissions (2):

Labcorp Genetics (formerly Invitae), Labcorp
Classification: Uncertain significance for Arrhythmogenic right ventricular dysplasia 11. Last evaluated: 2025-07-23. Review status: criteria provided, single submitter. Criteria: Invitae Variant Classification Sherloc (09022015). Collection method: clinical testing. Allele origin: germline.
Comment: This sequence change replaces serine, which is neutral and polar, with alanine, which is neutral and non-polar, at codon 526 of the DSC2 protein (p.Ser526Ala). This variant is not present in population databases (gnomAD no frequency). This variant has not been reported in the literature in individuals affected with DSC2-related conditions. ClinVar contains an entry for this variant (Variation ID: 199769). Invitae Evidence Modeling of protein sequence and biophysical properties (such as structural, functional, and spatial information, amino acid conservation, physicochemical variation, residue mobility, and thermodynamic stability) indicates that this missense variant is not expected to disrupt DSC2 protein function with a negative predictive value of 80%. In summary, the available evidence is currently insufficient to determine the role of this variant in disease. Therefore, it has been classified as a Variant of Uncertain Significance.

GeneDx
Classification: Uncertain significance. Last evaluated: 2014-01-02. Review status: criteria provided, single submitter. Criteria: GeneDx Variant Classification (06012015). Collection method: clinical testing. Allele origin: germline. Affected: yes.
Comment: p.Ser526Ala (TCA>GCA): c.1576 T>G in exon 11 of the DSC2 gene (NM_024422.3). he S526A variant in the DSC2 gene has not been reported as a disease-causing mutation or as a benign polymorphism to our knowledge. Although the S526A variant is a non-conservative amino acid substitution as these residues differ in polarity, charge, size and/or other properties and is more likely to impact secondary structure, the S526 residue is not well conserved across species. In silico analysis predicts S526A is benign to the protein structure/function. Furthermore, no missense mutations in nearby residues have been reported in association with ARVC, indicating this region of the protein may tolerate change. Nevertheless, the S526A variant was not observed in approximately 6,500 individuals of European and African American ancestry in the NHLBI Exome Sequencing Project, indicating it is not a common benign variant in these populations. With the clinical and molecular information available at this time, we cannot definitively determine if S526A is a disease-causing mutation or a rare benign variant. This result cannot be interpreted for diagnosis or used for family member screening at this time. The variant is found in ARVC panel(s).

NM_024422.6(DSC2):c.1576T>G (p.Ser526Ala)

Gene: DSC2 (desmocollin 2; minus strand). Cytogenetic location: 18q12.1.
Variant type: single nucleotide variant.
Coding change: c.1576T>G on transcript NM_024422.6 (MANE Select); coding-DNA position 1576, T replaced by G.
Protein change: p.Ser526Ala; replaces serine 526 with alanine.
Molecular consequence: missense variant.
Genome position (GRCh38, 1-based): chr18:31,079,934, A>C on the plus strand (T>G on the coding strand, the complement: DSC2 is on the minus strand). VCF-style: chr18-31079934-A-C. GRCh37 (hg19) VCF-style: chr18-28659900-A-C.
Other names: p.S526A:TCA>GCA; c.1576T>G, p.Ser526Ala (NM_004949.5); short protein forms S526A.
Identifiers: ClinVar variation 199769 (VCV000199769.3), dbSNP rs794728070, ClinGen allele CA022514.